The following is an entry in ClinVar:

NM_001312673.2(PCYT1A):c.130C>T (p.Pro44Ser)

Gene: PCYT1A (phosphate cytidylyltransferase 1A, choline; minus strand). Cytogenetic location: 3q29.
Variant type: single nucleotide variant.
Coding change: c.130C>T on transcript NM_001312673.2 (MANE Select); coding-DNA position 130, C replaced by T.
Protein change: p.Pro44Ser; replaces proline 44 with serine.
Molecular consequence: missense variant.
Genome position (GRCh38, 1-based): chr3:196,257,875, G>A on the plus strand (C>T on the coding strand, the complement: PCYT1A is on the minus strand). VCF-style: chr3-196257875-G-A. GRCh37 (hg19) VCF-style: chr3-195984746-G-A.
Other names: c.130C>T, p.Pro44Ser (NM_005017.4); short protein forms P44S.
Identifiers: ClinVar variation 1396536 (VCV001396536.6), dbSNP rs2108771793, ClinGen allele CA355590205.
Genomic context (GRCh38, chr3:196,257,875, plus strand): 5'-TAGTTACCCTGACATAGGGCTTACTAAAGTCAACTTCAATTTCATCAGAAAAAGGAGCTG[G>A]TTGCCGTAAGCCCTTAAGAAATGGAAAGTGAAGGAAAAGAAAGTTCAACTCAATGGCATA-3'
Protein context (NP_001299602.1, residues 34-54): VQRCAVGLRQ[Pro44Ser]APFSDEIEVD

ClinVar aggregate classification (germline): Uncertain significance (1 of 4 stars; one submission).

Submission:

Labcorp Genetics (formerly Invitae), Labcorp
Classification: Uncertain significance. Last evaluated: 2023-08-24. Review status: criteria provided, single submitter. Criteria: Invitae Variant Classification Sherloc (09022015). Collection method: clinical testing. Allele origin: germline.
Comment: This variant is not present in population databases (gnomAD no frequency). This sequence change replaces proline, which is neutral and non-polar, with serine, which is neutral and polar, at codon 44 of the PCYT1A protein (p.Pro44Ser). This variant has not been reported in the literature in individuals affected with PCYT1A-related conditions. ClinVar contains an entry for this variant (Variation ID: 1396536). In summary, the available evidence is currently insufficient to determine the role of this variant in disease. Therefore, it has been classified as a Variant of Uncertain Significance. Advanced modeling of protein sequence and biophysical properties (such as structural, functional, and spatial information, amino acid conservation, physicochemical variation, residue mobility, and thermodynamic stability) has been performed at Invitae for this missense variant, however the output from this modeling did not meet the statistical confidence thresholds required to predict the impact of this variant on PCYT1A protein function.